The following is an entry in ClinVar:

ClinVar aggregate classification (germline): Likely benign (1 of 4 stars; one submission).

Submission:

CeGaT Center for Human Genetics Tuebingen
Classification: Likely benign. Last evaluated: 2026-01-01. Review status: criteria provided, single submitter. Criteria: CeGaT Center For Human Genetics Tuebingen Variant Classification Criteria Version 2. Collection method: clinical testing. Allele origin: germline. Affected: yes. Observed: 3 variant alleles.
Comment: CRYBG2: BP4, BP7

NM_001039775.4(CRYBG2):c.1605C>T (p.Pro535=)

Gene: CRYBG2 (crystallin beta-gamma domain containing 2; minus strand). Cytogenetic location: 1p36.11.
Variant type: single nucleotide variant.
Coding change: c.1605C>T on transcript NM_001039775.4 (MANE Select); coding-DNA position 1605, C replaced by T.
Protein change: p.Pro535=; no amino-acid change (proline 535 retained).
Molecular consequence: synonymous variant.
Genome position (GRCh38, 1-based): chr1:26,345,053, G>A on the plus strand (C>T on the coding strand, the complement: CRYBG2 is on the minus strand). VCF-style: chr1-26345053-G-A. GRCh37 (hg19) VCF-style: chr1-26671544-G-A.
Identifiers: ClinVar variation 4083542 (VCV004083542.8).